The following is an entry in ClinVar:

ClinVar aggregate classification (germline): Pathogenic (1 of 4 stars; one submission).

Conditions:
Wilson disease (WND). Also called: Wilson's disease. Identifiers: Orphanet 905, MedGen C0019202, MONDO:0010200, OMIM 277900. Disease mechanism: loss of function.

Submission:

Natera, Inc.
Classification: Pathogenic for Wilson disease. Last evaluated: 2025-10-15. Review status: criteria provided, single submitter. Criteria: Natera Variant Classification Schema (03/2026). Collection method: clinical testing. Allele origin: germline.
Comment: The c.3973del variant in ATP7B is a frameshift variant predicted to shift the reading frame beginning at codon 1325 and leads to a stop codon 5 codons downstream. This variant is expected to result in nonsense mediated decay, truncation, or a dysfunctional protein product. This variant is rare in the general population with a frequency below the threshold expected for the associated phenotype(s). This variant has been observed in one or more individuals affected with the associated recessive disease, as either homozygous or compound heterozygous with a second variant (PMID: 23885147). Given the available evidence, this variant is classified as Pathogenic.

Literature cited by the submitters: PubMed 23885147.

NM_000053.4(ATP7B):c.3973del (p.Leu1325fs)

Gene: ATP7B (ATPase copper transporting beta; minus strand). Cytogenetic location: 13q14.3.
Variant type: Deletion.
Coding change: c.3973del on transcript NM_000053.4 (MANE Select); coding-DNA position 3973, one base deleted (C; older notation c.3973delC).
Protein change: p.Leu1325fs; shifts the reading frame from leucine 1325.
Molecular consequence: frameshift variant.
Genome position (GRCh38, 1-based): chr13:51,937,324, G deleted on the plus strand (C on the coding strand, the reverse complement: ATP7B is on the minus strand); the first of 2 consecutive G bases (chr13:51,937,324-51,937,325); deleting either gives the same sequence. VCF-style (leftmost placement, unchanged base first): chr13-51937323-AG-A. GRCh37 (hg19) VCF-style: chr13-52511459-AG-A.
Other names: c.3919del, p.Leu1307fs (NM_001406516.1, NM_001406515.1); c.3877del, p.Leu1293fs (NM_001406517.1, NM_001406518.1); c.3838del, p.Leu1280fs (NM_001406519.1); c.3829del, p.Leu1277fs (NM_001406520.1, NM_001406521.1, NM_001406522.1); c.3790del, p.Leu1264fs (NM_001406523.1); c.3796del, p.Leu1266fs (NM_001406524.1); c.3778del, p.Leu1260fs (NM_001406525.1); c.3769del, p.Leu1257fs (NM_001406526.1); and 21 more; short protein forms L1044fs, L1098fs, L1109fs, L1118fs, L1131fs, L1161fs, L1163fs, L1176fs.
Identifiers: ClinVar variation 4815517 (VCV004815517.1).